The following is an entry in ClinVar:

ClinVar aggregate classification (germline): Benign/Likely benign. Review status: criteria provided, multiple submitters, no conflicts (2 of 4 stars). 7 submissions from 7 submitters: Benign (1); Likely benign (3). 3 of the submissions do not count toward it. Last evaluated 2025-08-01.

Conditions:
DNAJC13-related disorder. Also called: DNAJC13-related condition.

Allele frequency attached by ClinVar (database versions not stated): 1000 Genomes Project 0.00439; 1000 Genomes Project 30x 0.00453; gnomAD exomes 0.00494 and 0.00803; ExAC 0.00504; gnomAD 0.00571 and 0.00575; ESP Exome Variant Server 0.00592; TOPMed 0.00628.
gnomAD v4.1: 12,509 of 1,611,416 alleles (0.78%); highest among the groups gnomAD compares: Admixed American, 0.94%; 60 homozygotes.

Submissions (7):

CeGaT Center for Human Genetics Tuebingen
Classification: Likely benign. Last evaluated: 2025-08-01. Review status: criteria provided, single submitter. Criteria: CeGaT Center For Human Genetics Tuebingen Variant Classification Criteria Version 2. Collection method: clinical testing. Allele origin: germline. Affected: yes. Observed: 9 variant alleles.
Comment: DNAJC13: BS2

Mayo Clinic Laboratories, Mayo Clinic
Classification: Benign. Last evaluated: 2023-03-16. Review status: criteria provided, single submitter. Criteria: ACMG Guidelines, 2015. Collection method: clinical testing. Allele origin: germline. Observed: 6 variant alleles.
Comment: BS1, BS2, BP4

Labcorp Genetics (formerly Invitae), Labcorp
Classification: Likely benign. Last evaluated: 2019-12-31. Review status: criteria provided, single submitter. Criteria: Invitae Variant Classification Sherloc (09022015). Collection method: clinical testing. Allele origin: germline.

Breakthrough Genomics
Classification: Likely benign. Review status: criteria provided, single submitter. Criteria: ACMG Guidelines, 2015. Collection method: not provided. Allele origin: germline. Inheritance: Unknown mechanism. Affected: yes.

PreventionGenetics, part of Exact Sciences
Classification: Benign for DNAJC13-related condition. Last evaluated: 2019-05-06. Review status: no assertion criteria provided. Collection method: clinical testing. Allele origin: germline. Not counted in ClinVar's aggregate classification.
Comment: This variant is classified as benign based on ACMG/AMP sequence variant interpretation guidelines (Richards et al. 2015 PMID: 25741868, with internal and published modifications).

Genome Diagnostics Laboratory, Amsterdam University Medical Center
Classification: Likely benign. Review status: no assertion criteria provided. Collection method: clinical testing. Allele origin: germline. Affected: yes. Study: VKGL Data-share Consensus. Not counted in ClinVar's aggregate classification.

Laboratory of Diagnostic Genome Analysis, Leiden University Medical Center (LUMC)
Classification: Likely benign. Review status: no assertion criteria provided. Collection method: clinical testing. Allele origin: germline. Affected: yes. Study: VKGL Data-share Consensus. Not counted in ClinVar's aggregate classification.

Literature cited by the submitters: PubMed 29887357 (cited by Mayo Clinic Laboratories, Mayo Clinic).

NM_015268.4(DNAJC13):c.2369C>A (p.Ser790Tyr)

Gene: DNAJC13 (DnaJ heat shock protein family (Hsp40) member C13; plus strand). Cytogenetic location: 3q22.1.
Variant type: single nucleotide variant.
Coding change: c.2369C>A on transcript NM_015268.4 (MANE Select); coding-DNA position 2369, C replaced by A.
Protein change: p.Ser790Tyr; replaces serine 790 with tyrosine.
Molecular consequence: missense variant.
Genome position (GRCh38, 1-based): chr3:132,475,009, C>A. VCF-style: chr3-132475009-C-A. GRCh37 (hg19) VCF-style: chr3-132193853-C-A.
Other names: p.Ser790Tyr; c.2384C>A, p.Ser795Tyr (NM_001329126.2); short protein forms S790Y, S795Y.
Identifiers: ClinVar variation 773448 (VCV000773448.32), dbSNP rs149121829, ClinGen allele CA2618954.